The following is an entry in ClinVar:

NM_001035.3(RYR2):c.9560A>G (p.Lys3187Arg)

Gene: RYR2 (ryanodine receptor 2; plus strand). Cytogenetic location: 1q43.
Variant type: single nucleotide variant.
Coding change: c.9560A>G on transcript NM_001035.3 (MANE Select); coding-DNA position 9560, A replaced by G.
Protein change: p.Lys3187Arg; replaces lysine 3187 with arginine.
Molecular consequence: missense variant.
Genome position (GRCh38, 1-based): chr1:237,705,323, A>G. VCF-style: chr1-237705323-A-G. GRCh37 (hg19) VCF-style: chr1-237868623-A-G.
Other names: p.K3187R:AAG>AGG; short protein forms K3187R.
Identifiers: ClinVar variation 43840 (VCV000043840.29), dbSNP rs184218219, ClinGen allele CA011241.

ClinVar aggregate classification (germline): Benign/Likely benign. Review status: criteria provided, multiple submitters, no conflicts (2 of 4 stars). 11 submissions from 11 submitters: Benign (1); Likely benign (10). Last evaluated 2026-02-01.

Conditions:
Cardiovascular phenotype. Identifiers: MedGen CN230736.
Cardiomyopathy (CMYO). Also called: Cardiomyopathies. Identifiers: Orphanet 167848, MedGen C0878544, MONDO:0004994, HP:0001638. Inheritance: Various modes of inheritance.
Catecholaminergic polymorphic ventricular tachycardia 1. Also called: VENTRICULAR TACHYCARDIA, CATECHOLAMINERGIC POLYMORPHIC, 1, WITH OR WITHOUT ATRIAL DYSFUNCTION AND/OR DILATED CARDIOMYOPATHY; VENTRICULAR TACHYCARDIA, STRESS-INDUCED POLYMORPHIC 1; RYR2-Related Catecholaminergic Polymorphic Ventricular Tachycardia. Identifiers: Orphanet 3286, MedGen C1631597, MONDO:0011484, OMIM 604772.
Catecholaminergic polymorphic ventricular tachycardia (CVPT). Also called: Catecholamine-induced polymorphic ventricular tachycardia. Identifiers: Orphanet 3286, MedGen C5574922, MONDO:0017990.

Allele frequency attached by ClinVar (database versions not stated): gnomAD exomes 0.00025; ExAC 0.00055; 1000 Genomes Project 30x 0.00078; 1000 Genomes Project 0.00080; gnomAD 0.00127 and 0.00137; TOPMed 0.00138; ESP Exome Variant Server 0.00183.
gnomAD v4.1: 366 of 1,605,188 alleles (0.023%); highest among the groups gnomAD compares: African/African-American, 0.47%; 2 homozygotes.

Submissions (11):

Labcorp Genetics (formerly Invitae), Labcorp
Classification: Benign for Catecholaminergic polymorphic ventricular tachycardia 1. Last evaluated: 2026-02-01. Review status: criteria provided, single submitter. Criteria: Invitae Variant Classification Sherloc (09022015). Collection method: clinical testing. Allele origin: germline.

Mayo Clinic Laboratories, Mayo Clinic
Classification: Likely benign. Last evaluated: 2025-04-17. Review status: criteria provided, single submitter. Criteria: ACMG Guidelines, 2015. Collection method: clinical testing. Allele origin: germline. Observed: 2 variant alleles.

Molecular Diagnostic Laboratory for Inherited Cardiovascular Disease, Montreal Heart Institute
Classification: Likely benign. Last evaluated: 2025-04-09. Review status: criteria provided, single submitter. Criteria: ACMG Guidelines, 2015. Collection method: clinical testing. Allele origin: germline. Affected: no.
Comment: BS1;BP4

Blueprint Genetics
Classification: Likely benign. Last evaluated: 2021-09-19. Review status: criteria provided, single submitter. Criteria: ACMG Guidelines, 2015. Collection method: clinical testing. Allele origin: germline.

Women's Health and Genetics/Laboratory Corporation of America, LabCorp
Classification: Likely benign. Last evaluated: 2021-08-22. Review status: criteria provided, single submitter. Criteria: LabCorp Variant Classification Summary - May 2015. Collection method: clinical testing. Allele origin: germline.
Comment: Variant summary: RYR2 c.9560A>G (p.Lys3187Arg) results in a conservative amino acid change in the encoded protein sequence. Five of five in-silico tools predict a benign effect of the variant on protein function. The variant allele was found at a frequency of 0.00025 in 235202 control chromosomes, predominantly at a frequency of 0.0039 within the African or African-American subpopulation in the gnomAD database. The observed variant frequency within African or African-American control individuals in the gnomAD database is approximately 65 fold of the estimated maximal expected allele frequency for a pathogenic variant in RYR2 causing Arrhythmia phenotype (6e-05), strongly suggesting that the variant is a benign polymorphism found primarily in populations of African or African-American origin. c.9560A>G has been reported in the literature as a likely benign variant in one individual affected with dilated cardiomyopathy (DCM) (example, Pugh_2014). This report does not provide unequivocal conclusions about association of the variant with Arrhythmia. To our knowledge, no experimental evidence demonstrating an impact on protein function has been reported. Five clinical diagnostic laboratories have submitted clinical-significance assessments for this variant to ClinVar after 2014 without evidence for independent evaluation. All laboratories classified the variant as benign (n=1)/likely benign (n=4). Based on the evidence outlined above, the variant was classified as likely benign.

GeneDx
Classification: Likely benign. Last evaluated: 2020-10-01. Review status: criteria provided, single submitter. Criteria: GeneDx Variant Classification Process June 2021. Collection method: clinical testing. Allele origin: germline. Affected: yes.
Comment: This variant is associated with the following publications: (PMID: 24503780, 25351510)

Ambry Genetics
Classification: Likely benign for Cardiovascular phenotype. Last evaluated: 2019-03-15. Review status: criteria provided, single submitter. Criteria: Ambry Variant Classification Scheme 2023. Collection method: clinical testing. Allele origin: germline.

Color Diagnostics, LLC DBA Color Health
Classification: Likely benign for Cardiomyopathy. Last evaluated: 2018-09-10. Review status: criteria provided, single submitter. Criteria: ACMG Guidelines, 2015. Collection method: clinical testing. Allele origin: germline.

Genomic Diagnostic Laboratory, Division of Genomic Diagnostics, Children's Hospital of Philadelphia
Classification: Likely benign for Catecholaminergic polymorphic ventricular tachycardia. Last evaluated: 2015-11-30. Review status: criteria provided, single submitter. Criteria: DGD Variant Analysis Guidelines. Collection method: clinical testing. Allele origin: unknown.

Laboratory for Molecular Medicine, Mass General Brigham Personalized Medicine
Classification: Likely benign. Last evaluated: 2012-02-09. Review status: criteria provided, single submitter. Criteria: LMM Criteria. Collection method: clinical testing. Allele origin: germline. Observed: 4 variant alleles.
Comment: Lys3187Arg in exon 67 of RYR2: This variant is not expected to have clinical sig nificance because it has been identified in 0.4% (12/3078) of African American c hromosomes by the NHLBI Exome Sequencing Project in a broad population (dbSNP rs184218219). Lys3187Arg in exon 67 of RYR2 (rs 184218219; allele frequency = 0.4%, 12/3078) **

Breakthrough Genomics
Classification: Likely benign. Review status: criteria provided, single submitter. Criteria: ACMG Guidelines, 2015. Collection method: not provided. Allele origin: germline. Inheritance: Autosomal dominant inheritance. Affected: yes.

Literature cited by the submitters: PubMed 24503780 (cited by Mayo Clinic Laboratories, Mayo Clinic and Women's Health and Genetics/Laboratory Corporation of America, LabCorp); PubMed 32152366 (cited by Mayo Clinic Laboratories, Mayo Clinic); PubMed 32746448 (cited by Mayo Clinic Laboratories, Mayo Clinic).